The following is an entry in ClinVar:

ClinVar aggregate classification (germline): Uncertain significance. Review status: criteria provided, multiple submitters, no conflicts (2 of 4 stars). 5 submissions from 5 submitters: Uncertain significance (4). 1 of the submissions does not count toward it. Last evaluated 2024-06-15.

Conditions:
Medulloblastoma (MDB). Also called: MEDULLOBLASTOMA PREDISPOSITION SYNDROME; Medulloblastoma, somatic. Identifiers: Orphanet 616, MedGen C0025149, MeSH D008527, MONDO:0007959, OMIM 155255, HP:0002885.
Familial dysautonomia. Also called: FD; HSAN III. Identifiers: Orphanet 1764, MedGen C0013364, MONDO:0009131, OMIM 223900. Disease mechanism: loss of function.

Allele frequency attached by ClinVar (database versions not stated): gnomAD exomes 0.00001 and 0.00005; ExAC 0.00006; gnomAD 0.00010 and 0.00012; TOPMed 0.00017; ESP Exome Variant Server 0.00023.
gnomAD v4.1: 35 of 1,595,594 alleles (0.0022%); highest among the groups gnomAD compares: African/African-American, 0.046%; no homozygotes.

Submissions (5):

Fulgent Genetics
Classification: Uncertain significance for Medulloblastoma; Familial dysautonomia. Last evaluated: 2024-06-15. Review status: criteria provided, single submitter. Criteria: ACMG Guidelines, 2015. Collection method: clinical testing. Allele origin: germline.

Women's Health and Genetics/Laboratory Corporation of America, LabCorp
Classification: Uncertain significance. Last evaluated: 2023-01-19. Review status: criteria provided, single submitter. Criteria: LabCorp Variant Classification Summary - May 2015. Collection method: clinical testing. Allele origin: germline.
Comment: Variant summary: IKBKAP (also known as ELP1) c.3931+1G>T is located in a canonical splice-site (the last intron) and is predicted to affect mRNA splicing resulting in a significantly altered protein due to either exon skipping, shortening, or inclusion of intronic material. Several computational tools predict a significant impact on normal splicing: Four predict the variant abolishes a 5 splicing donor site. However, these predictions have yet to be confirmed by functional studies. The variant allele was found at a frequency of 5.3e-05 in 282618 control chromosomes (gnomAD). This frequency is not significantly higher than expected for a pathogenic variant in IKBKAP causing Familial Dysautonomia (5.3e-05 vs 0.0018), allowing no conclusion about variant significance. To our knowledge, no occurrence of c.3931+1G>T in individuals affected with Familial Dysautonomia and no experimental evidence demonstrating its impact on protein function have been reported. Two ClinVar submitters (evaluation after 2014) cite this variant as likely pathogenic and uncertain significance. Based on the evidence outlined above, the variant was classified as uncertain significance.

Labcorp Genetics (formerly Invitae), Labcorp
Classification: Uncertain significance. Last evaluated: 2022-08-31. Review status: criteria provided, single submitter. Criteria: Invitae Variant Classification Sherloc (09022015). Collection method: clinical testing. Allele origin: germline.
Comment: This sequence change affects a donor splice site in intron 36 of the ELP1 gene. While this variant is not anticipated to result in nonsense mediated decay, it likely alters RNA splicing and results in a disrupted protein product. This variant is present in population databases (rs143674809, gnomAD 0.05%). This variant has not been reported in the literature in individuals affected with ELP1-related conditions. ClinVar contains an entry for this variant (Variation ID: 551259). Variants that disrupt the consensus splice site are a relatively common cause of aberrant splicing (PMID: 17576681, 9536098). Algorithms developed to predict the effect of sequence changes on RNA splicing suggest that this variant may disrupt the consensus splice site. In summary, the available evidence is currently insufficient to determine the role of this variant in disease. Therefore, it has been classified as a Variant of Uncertain Significance.

Ambry Genetics
Classification: Uncertain significance. Last evaluated: 2020-01-14. Review status: criteria provided, single submitter. Criteria: Ambry Variant Classification Scheme 2023. Collection method: clinical testing. Allele origin: germline.
Comment: The c.3931+1G>T intronic variant results from a G to T substitution one nucleotide after coding exon 35 of the IKBKAP gene. Alterations that disrupt the canonical splice site are expected to cause aberrant splicing, resulting in an abnormal protein or a transcript that is subject to nonsense-mediated mRNA decay. However, this alteration occurs at the 3' terminus and the exact functional impact is unknown at this time. This nucleotide position is highly conserved in available vertebrate species. Using the BDGP and ESEfinder splice site prediction tools, this alteration is predicted to abolish the native splice donor site; however, direct evidence is unavailable. Since supporting evidence is limited at this time, the clinical significance of this alteration remains unclear.

Counsyl
Classification: Likely pathogenic for Familial dysautonomia. Last evaluated: 2017-03-28. Review status: no assertion criteria provided. Collection method: clinical testing. Allele origin: unknown. Not counted in ClinVar's aggregate classification.

Literature cited by the submitters: PubMed 17576681 (cited by Labcorp Genetics (formerly Invitae), Labcorp); PubMed 9536098 (cited by Labcorp Genetics (formerly Invitae), Labcorp).

NM_003640.5(ELP1):c.3931+1G>T

Gene: ELP1 (elongator acetyltransferase complex subunit 1; minus strand). Cytogenetic location: 9q31.3.
Variant type: single nucleotide variant.
Coding change: c.3931+1G>T on transcript NM_003640.5 (MANE Select); the canonical splice donor site of the intron after coding-DNA position 3931, G replaced by T.
Molecular consequence: splice donor variant.
Genome position (GRCh38, 1-based): chr9:108,874,894, C>A on the plus strand (G>T on the coding strand, the complement: ELP1 is on the minus strand). VCF-style: chr9-108874894-C-A. GRCh37 (hg19) VCF-style: chr9-111637174-C-A.
Other names: c.3589+1G>T (NM_001318360.2); c.2884+1G>T (NM_001330749.2).
Identifiers: ClinVar variation 551259 (VCV000551259.10), dbSNP rs143674809, ClinGen allele CA5174132.